The following is an entry in ClinVar:

ClinVar aggregate classification (germline): Likely pathogenic (1 of 4 stars; one submission).

Conditions:
Spermatogenic failure 46. Identifiers: MedGen C5436799, MONDO:0033673, OMIM 619095.

Submission:

Juno Genomics, Hangzhou Juno Genomics, Inc
Classification: Likely pathogenic for Spermatogenic failure 46. Review status: criteria provided, single submitter. Criteria: ACMG Guidelines, 2015. Collection method: clinical testing. Allele origin: germline.
Comment: Null variant in a gene where loss of function (LOF) is a known mechanism of disease.;Absent from controls (or at extremely low frequency if recessive) in Genome Aggregation Database.

NM_001206927.2(DNAH8):c.13714+2T>C

Gene: DNAH8 (dynein axonemal heavy chain 8; plus strand). Cytogenetic location: 6p21.2.
Variant type: single nucleotide variant.
Coding change: c.13714+2T>C on transcript NM_001206927.2 (MANE Select); the canonical splice donor site of the intron after coding-DNA position 13714, T replaced by C.
Molecular consequence: splice donor variant.
Genome position (GRCh38, 1-based): chr6:39,012,639, T>C. VCF-style: chr6-39012639-T-C. GRCh37 (hg19) VCF-style: chr6-38980415-T-C.
Other names: c.13063+2T>C (NM_001371.4).
Identifiers: ClinVar variation 5007058 (VCV005007058.2).